The following is an entry in ClinVar:

ClinVar aggregate classification (germline): Uncertain significance. Review status: criteria provided, multiple submitters, no conflicts (2 of 4 stars). 2 submissions from 2 submitters: Uncertain significance (2). Last evaluated 2025-08-30.

Conditions:
Epileptic encephalopathy. Identifiers: MedGen C0543888, HP:0200134.

Allele frequency attached by ClinVar (database versions not stated): gnomAD 0.00004 and 0.00005; gnomAD exomes 0.00004; TOPMed 0.00004; ExAC 0.00012.
gnomAD v4.1: 62 of 1,586,508 alleles (0.0039%); highest among the groups gnomAD compares: Admixed American, 0.015%; no homozygotes.

Submissions (2):

Labcorp Genetics (formerly Invitae), Labcorp
Classification: Uncertain significance for Epileptic encephalopathy. Last evaluated: 2025-08-30. Review status: criteria provided, single submitter. Criteria: Invitae Variant Classification Sherloc (09022015). Collection method: clinical testing. Allele origin: germline.
Comment: This sequence change replaces arginine, which is basic and polar, with glutamine, which is neutral and polar, at codon 2275 of the FASN protein (p.Arg2275Gln). This variant is present in population databases (rs758520407, gnomAD 0.02%). This variant has not been reported in the literature in individuals affected with FASN-related conditions. ClinVar contains an entry for this variant (Variation ID: 530972). An algorithm developed to predict the effect of missense changes on protein structure and function outputs the following: PolyPhen-2: "Benign". The glutamine amino acid residue is found in multiple mammalian species, which suggests that this missense change does not adversely affect protein function. In summary, the available evidence is currently insufficient to determine the role of this variant in disease. Therefore, it has been classified as a Variant of Uncertain Significance.

Ambry Genetics
Classification: Uncertain significance. Last evaluated: 2023-09-29. Review status: criteria provided, single submitter. Criteria: Ambry Variant Classification Scheme 2023. Collection method: clinical testing. Allele origin: germline.

NM_004104.5(FASN):c.6824G>A (p.Arg2275Gln)

Gene: FASN (fatty acid synthase; minus strand). Cytogenetic location: 17q25.3.
Variant type: single nucleotide variant.
Coding change: c.6824G>A on transcript NM_004104.5 (MANE Select); coding-DNA position 6824, G replaced by A.
Protein change: p.Arg2275Gln; replaces arginine 2275 with glutamine.
Molecular consequence: missense variant.
Genome position (GRCh38, 1-based): chr17:82,080,694, C>T on the plus strand (G>A on the coding strand, the complement: FASN is on the minus strand). VCF-style: chr17-82080694-C-T. GRCh37 (hg19) VCF-style: chr17-80038570-C-T.
Other names: short protein forms R2275Q.
Identifiers: ClinVar variation 530972 (VCV000530972.9), dbSNP rs758520407, ClinGen allele CA8851187.
Genomic context (GRCh38, chr17:82,080,694, plus strand): 5'-CACGGGCCCCGTGATGGCCAGCACTGACCACCGCTTCCAGAGGAGGGCCCGGGAGTACCT[C>T]GGGTGCACTGCAGGCCATAGGTGGGGATGCTGAGCCGGGAGGCCAGGCTGTGGAACACGG-3'
Protein context (NP_004095.4, residues 2265-2285): SIPTYGLQCT[Arg2275Gln]AAPLDSIHSL